The following is an entry in ClinVar:

ClinVar aggregate classification (germline): Uncertain significance (1 of 4 stars; one submission).

Submission:

Labcorp Genetics (formerly Invitae), Labcorp
Classification: Uncertain significance. Last evaluated: 2025-09-30. Review status: criteria provided, single submitter. Criteria: Invitae Variant Classification Sherloc (09022015). Collection method: clinical testing. Allele origin: germline.
Comment: This sequence change falls in intron 20 of the AARS2 gene. It does not directly change the encoded amino acid sequence of the AARS2 protein. Information on the frequency of this variant in the gnomAD database is not available, as this variant may be reported differently in the database. This variant has not been reported in the literature in individuals affected with AARS2-related conditions. ClinVar contains an entry for this variant (Variation ID: 1939109). Experimental studies and prediction algorithms are not available or were not evaluated, and the effect of this variant on mRNA splicing is currently unknown. In summary, the available evidence is currently insufficient to determine the role of this variant in disease. Therefore, it has been classified as a Variant of Uncertain Significance.

NM_020745.4(AARS2):c.2683-21_2683-20inv

Gene: AARS2 (alanyl-tRNA synthetase 2, mitochondrial; minus strand). Cytogenetic location: 6p21.1.
Variant type: Inversion.
Coding change: c.2683-21_2683-20inv on transcript NM_020745.4 (MANE Select).
Molecular consequence: intron variant.
Genome position: GRCh38 VCF-style: chr6-44301286-TG-CA. GRCh37 (hg19) VCF-style: chr6-44269023-TG-CA.
Identifiers: ClinVar variation 1939109 (VCV001939109.4), ClinGen allele CA2580074676.